The following is an entry in ClinVar:

ClinVar aggregate classification (germline): Conflicting classifications of pathogenicity. Review status: criteria provided, conflicting classifications (1 of 4 stars). 4 submissions from 4 submitters: Likely pathogenic (2); Uncertain significance (2). Last evaluated 2026-01-28.

Conditions:
TTN-related disorder. Also called: TTN-related disorders; TTN-related condition; TTN-related disease.
Dilated cardiomyopathy 1G (CMD1G). Identifiers: Orphanet 154, MedGen C1858763, MONDO:0011400, OMIM 604145.
Autosomal recessive limb-girdle muscular dystrophy type 2J (LGMDR10). Also called: Limb-girdle muscular dystrophy, type 2J; MUSCULAR DYSTROPHY, LIMB-GIRDLE, AUTOSOMAL RECESSIVE 10. Identifiers: Orphanet 140922, MedGen C1837342, MONDO:0012127, OMIM 608807.
Primary dilated cardiomyopathy (DCM). Also called: Dilated Cardiomyopathy. Identifiers: Orphanet 217604, MedGen C0007193, MeSH D002311, MONDO:0005021, HP:0001644. Inheritance: Various modes of inheritance.

Allele frequency attached by ClinVar (database versions not stated): gnomAD 0.00005 and 0.00006; TOPMed 0.00008.
gnomAD v4.1: 24 of 1,611,698 alleles (0.0015%); highest among the groups gnomAD compares: African/African-American, 0.015%; no homozygotes.

Submissions (4):

Labcorp Genetics (formerly Invitae), Labcorp
Classification: Likely pathogenic for Dilated cardiomyopathy 1G; Autosomal recessive limb-girdle muscular dystrophy type 2J. Last evaluated: 2026-01-28. Review status: criteria provided, single submitter. Criteria: Invitae Variant Classification Sherloc (09022015). Collection method: clinical testing. Allele origin: germline.
Comment: This sequence change affects a donor splice site in intron 211 of the TTN gene. It is expected to disrupt RNA splicing and likely results in a truncated or disrupted TTN protein. This variant is present in population databases (no rsID available, gnomAD 0.008%). Disruption of this splice site has been observed in individual(s) with autosomal recessive congenital myopathy (internal data). This variant has been reported in individual(s) with autosomal dominant cardiomyopathy (internal data); however, the role of the variant in this condition is currently unclear. ClinVar contains an entry for this variant (Variation ID: 223350). Algorithms developed to predict the effect of sequence changes on RNA splicing suggest that this variant may disrupt the consensus splice site. This variant is located in the I band of TTN (PMID: 25589632). Truncating variants in this region have been reported in individuals affected with autosomal recessive centronuclear myopathy (PMID: 23975875, internal data). Truncating variants in this region have also been identified in individuals affected with autosomal dominant dilated cardiomyopathy and/or cardio-related conditions (PMID: 27869827, 32964742, internal data). In summary, the currently available evidence indicates that the variant is pathogenic, but additional data are needed to prove that conclusively. Therefore, this variant has been classified as Likely Pathogenic.

GeneDx
Classification: Uncertain significance. Last evaluated: 2026-01-22. Review status: criteria provided, single submitter. Criteria: GeneDx Variant Classification Process June 2021. Collection method: clinical testing. Allele origin: germline.
Comment: Not observed at significant frequency in large population cohorts (gnomAD); Canonical splice site variant in a gene or region of a gene for which loss of function is not a well-established mechanism of disease; Has not been previously published as pathogenic or benign in association with a titinopathy to our knowledge; This variant is associated with the following publications: (PMID: 23975875, 26701604, 22335739, 31691645, 25589632, 35177841, 27625338, 27869827)

PreventionGenetics, part of Exact Sciences
Classification: Likely pathogenic for TTN-related condition. Last evaluated: 2025-12-22. Review status: criteria provided, single submitter. Criteria: ACMG Guidelines, 2015. Collection method: clinical testing. Allele origin: germline.
Comment: The TTN c.39895+1G>T variant is predicted to disrupt the GT donor site and interfere with normal splicing. This variant has been reported in an individual with heart failure and one control (Supplemental Online Table IX, Choi et al. 2020. PubMed ID: 31691645), in an individual from a heart study (patient J162495 in Table S3, Roberts et al. 2015. PubMed ID: 25589632), and in two controls from a large cohort of individuals evaluated for underlying cardiometabolic disease traits (Supplementary Table 6, Jurgens et al. 2022. PubMed ID: 35177841). This variant is reported in 0.0083% of alleles in individuals of African descent in gnomAD. This variant is located in the I-band region of the TTN protein. RNAseq studies from heart tissue indicate this exon is not commonly included in TTN mRNA transcripts (PSI of 2%-18%); however, this analysis in muscle tissue was not performed (Roberts et al. 2015. PMID: 25589632). TTN truncating variants in the heterozygous state are reported in 1-2% of presumably healthy individuals and occur more frequently in exons with low PSI values, indicating this variant is less likely to cause TTN-related cardiac disorders (Roberts et al. 2015. PubMed ID: 25589632; Herman et al. 2012. PubMed ID: 22335739). However, many cases of recessive congenital titinopathies in which the individual is compound heterozygous for two loss of function variants in TTN have also been reported (see Ceyhan-Birsoy et al. 2013. PubMed ID: 23975875; Chauveau et al. 2014. PubMed ID: 24105469; Evilä et al. 2016. PubMed ID: 27796757; Ge et al. 2019. PubMed ID: 31053406; Bryen et al. 2020. PubMed ID: 31660661) and other truncating variants in this exon have been reported in individuals with recessive titinopathies (c.40004_40008del in Table S1, Savarese et al. 2020. PubMed ID: 32778822; Patient I398 in Table S1, Juntas Morales et al. 2021. PubMed ID: 34440373). In summary, this variant is likely pathogenic for autosomal recessive TTN-related disorders. However, it is uncertain if this variant would be causative for autosomal dominant TTN-related disorders.

Cardiovascular Biomedical Research Unit, Royal Brompton & Harefield NHS Foundation Trust
Classification: Uncertain significance for Primary dilated cardiomyopathy. Last evaluated: 2014-10-08. Review status: criteria provided, single submitter. Criteria: Roberts et al. 2015. Collection method: research. Allele origin: germline. Inheritance: Autosomal dominant inheritance. Affected: no. Observed: 1 variant allele. Study: JHS cohort.
Comment: This TTN truncating variant (TTNtv) was identified in one individual in this cohort and is located in an exon with low levels of cardiac expression. In the seven cohorts assessed, TTNtv were found in 14% of ambulant DCM, 22% end-stage or familial DCM, and 2% controls. Heterozygous nonsense, frameshift and canonical splice-disrupting variants found in constitutive and other highly utilised exons are highly likely to be pathogenic when identified in individuals with phenotypically confirmed DCM. TTNtv found incidentally in healthy individuals (excluding familial assessment of DCM relatives) are thought to have low penetrance, particularly when identified in exons that are not constitutively expressed in the heart.

Literature cited by the submitters: PubMed 25589632 (cited by Labcorp Genetics (formerly Invitae), Labcorp); PubMed 23975875 (cited by Labcorp Genetics (formerly Invitae), Labcorp); PubMed 27869827 (cited by Labcorp Genetics (formerly Invitae), Labcorp); PubMed 32964742 (cited by Labcorp Genetics (formerly Invitae), Labcorp).

NM_001267550.2(TTN):c.39895+1G>T

Gene: TTN (titin; minus strand). Cytogenetic location: 2q31.2.
Variant type: single nucleotide variant.
Coding change: c.39895+1G>T on transcript NM_001267550.2 (MANE Select); the canonical splice donor site of the intron after coding-DNA position 39895, G replaced by T.
Molecular consequence: splice donor variant. On other transcripts: intron variant (3).
Genome position (GRCh38, 1-based): chr2:178,649,816, C>A on the plus strand (G>T on the coding strand, the complement: TTN is on the minus strand). VCF-style: chr2-178649816-C-A. GRCh37 (hg19) VCF-style: chr2-179514543-C-A.
Other names: c.39895+1G>T (LRG_391t1); c.13283-7499G>T (NM_003319.4); c.13859-7499G>T (NM_133437.4); c.13658-7499G>T (NM_133432.3); c.32593+1G>T (NM_133378.4); c.35374+1G>T (NM_001256850.1).
Identifiers: ClinVar variation 223350 (VCV000223350.12), dbSNP rs749931280, ClinGen allele CA204481.